The following is an entry in ClinVar:

NC_000001.10:g.(?_12020703)_(12027148_?)dup

Gene: PLOD1 (procollagen-lysine,2-oxoglutarate 5-dioxygenase 1; plus strand). Cytogenetic location: 1p36.22.
Variant type: Duplication.
Identifiers: ClinVar variation 459799 (VCV000459799.1).

ClinVar aggregate classification (germline): Uncertain significance (1 of 4 stars; one submission).

Conditions:
Ehlers-Danlos syndrome, kyphoscoliotic type 1 (EDSKSCL1). Also called: EHLERS-DANLOS SYNDROME, TYPE VIA; Ehlers-Danlos syndrome, hydroxylysine-deficient; EHLERS-DANLOS SYNDROME, OCULAR-SCOLIOTIC TYPE; PLOD1-Related Kyphoscoliotic Ehlers-Danlos Syndrome. Identifiers: Orphanet 1900, MedGen C0268342, MONDO:0016002, OMIM 225400. Disease mechanism: loss of function.

Submission:

Labcorp Genetics (formerly Invitae), Labcorp
Classification: Uncertain significance for Ehlers-Danlos syndrome, kyphoscoliotic type 1. Last evaluated: 2016-09-27. Review status: criteria provided, single submitter. Criteria: Invitae Variant Classification Sherloc (09022015). Collection method: clinical testing. Allele origin: germline.
Comment: This variant is a gross duplication of the genomic region encompassing exons 10-16 of the PLOD1 gene. While the exact position of the duplicated exons cannot be determined from this data, the duplicated copy of this region is likely in tandem and in-frame, therefore preserving the integrity of the reading frame. This Â¬â€ specific duplication has not been reported in the literature in individuals with a PLOD1-related disease. Experimental studies and prediction algorithms are not available for this variant, and the functional significance of the duplicated exons is currently unknown. In summary, this is a duplication which has not been previously reported in affected individuals in the literature. The impact of this duplication on PLOD1 protein function has not been established. Therefore, it has been classified as a Variant of Uncertain Significance.